The following is an entry in ClinVar:

NM_001100913.3(PACS2):c.573G>C (p.Lys191Asn)

Gene: PACS2 (phosphofurin acidic cluster sorting protein 2; plus strand). Cytogenetic location: 14q32.33.
Variant type: single nucleotide variant.
Coding change: c.573G>C on transcript NM_001100913.3 (MANE Select); coding-DNA position 573, G replaced by C.
Protein change: p.Lys191Asn; replaces lysine 191 with asparagine.
Molecular consequence: missense variant.
Genome position (GRCh38, 1-based): chr14:105,367,362, G>C. VCF-style: chr14-105367362-G-C. GRCh37 (hg19) VCF-style: chr14-105833699-G-C.
Other names: c.372G>C, p.Lys124Asn (NM_001243127.3); c.573G>C, p.Lys191Asn (NM_015197.4); short protein forms K124N, K191N.
Identifiers: ClinVar variation 4722395 (VCV004722395.1).

ClinVar aggregate classification (germline): Uncertain significance (1 of 4 stars; one submission).

gnomAD v4.1: 1 of 1,613,268 alleles (0.000062%); highest among the groups gnomAD compares: Non-Finnish European, 0.000085%; no homozygotes.

Submission:

Labcorp Genetics (formerly Invitae), Labcorp
Classification: Uncertain significance. Last evaluated: 2025-07-01. Review status: criteria provided, single submitter. Criteria: Invitae Variant Classification Sherloc (09022015). Collection method: clinical testing. Allele origin: germline.
Comment: This sequence change replaces lysine, which is basic and polar, with asparagine, which is neutral and polar, at codon 191 of the PACS2 protein (p.Lys191Asn). This variant is not present in population databases (gnomAD no frequency). This variant has not been reported in the literature in individuals affected with PACS2-related conditions. An algorithm developed to predict the effect of missense changes on protein structure and function (PolyPhen-2) suggests that this variant is likely to be disruptive. In summary, the available evidence is currently insufficient to determine the role of this variant in disease. Therefore, it has been classified as a Variant of Uncertain Significance.